The following is an entry in ClinVar:

ClinVar aggregate classification (germline): Pathogenic/Likely pathogenic. Review status: criteria provided, multiple submitters, no conflicts (2 of 4 stars). 5 submissions from 5 submitters: Pathogenic (2); Likely pathogenic (3). Last evaluated 2024-12-19.

Conditions:
Hereditary spastic paraplegia 11. Also called: Spastic Paraplegia 11; Spastic paraplegia, mental retardation and thin corpus callosum; Nakamura Osame syndrome; Autosomal recessive hereditary spastic paraplegia, mental impairment, and thin corpus callosum; SPASTIC PARAPLEGIA, AUTOSOMAL RECESSIVE, COMPLICATED, WITH THIN CORPUS CALLOSUM; SPASTIC PARAPLEGIA, AUTOSOMAL RECESSIVE, WITH MENTAL IMPAIRMENT AND THIN CORPUS CALLOSUM. Identifiers: Orphanet 2822, MedGen C1858479, MONDO:0011445, OMIM 604360.
SPG11-related disorder. Also called: SPG11-related condition.

Allele frequency attached by ClinVar (database versions not stated): gnomAD exomes below 0.00001 and 0.00001.

Submissions (5):

GeneDx
Classification: Pathogenic. Last evaluated: 2024-12-19. Review status: criteria provided, single submitter. Criteria: GeneDx Variant Classification Process June 2021. Collection method: clinical testing. Allele origin: germline. Affected: yes.
Comment: Frameshift variant predicted to result in protein truncation or nonsense mediated decay in a gene for which loss of function is a known mechanism of disease; Not observed at significant frequency in large population cohorts (gnomAD); Has not been previously published as pathogenic or benign to our knowledge

Labcorp Genetics (formerly Invitae), Labcorp
Classification: Pathogenic for Hereditary spastic paraplegia 11. Last evaluated: 2024-09-30. Review status: criteria provided, single submitter. Criteria: Invitae Variant Classification Sherloc (09022015). Collection method: clinical testing. Allele origin: germline.
Comment: This sequence change creates a premature translational stop signal (p.Ile1359Tyrfs*30) in the SPG11 gene. It is expected to result in an absent or disrupted protein product. Loss-of-function variants in SPG11 are known to be pathogenic (PMID: 19105190, 20110243, 22154821, 26556829). This variant is present in population databases (no rsID available, gnomAD 0.003%). This variant has not been reported in the literature in individuals affected with SPG11-related conditions. ClinVar contains an entry for this variant (Variation ID: 653485). For these reasons, this variant has been classified as Pathogenic.

Blueprint Genetics
Classification: Likely pathogenic for SPG11-related disorders. Last evaluated: 2022-04-27. Review status: criteria provided, single submitter. Criteria: ACMG Guidelines, 2015. Collection method: clinical testing. Allele origin: germline. Affected: yes. Observed: 1 variant allele.

AiLife Diagnostics
Classification: Likely pathogenic. Last evaluated: 2021-06-03. Review status: criteria provided, single submitter. Criteria: ACMG Guidelines, 2015. Collection method: clinical testing. Allele origin: germline. Affected: yes. Observed: 1 variant allele.

Genome-Nilou Lab
Classification: Likely pathogenic for Hereditary spastic paraplegia 11. Review status: criteria provided, single submitter. Criteria: ACMG Guidelines, 2015. Collection method: clinical testing. Allele origin: germline.

Literature cited by the submitters: PubMed 19105190 (cited by Labcorp Genetics (formerly Invitae), Labcorp); PubMed 20110243 (cited by Labcorp Genetics (formerly Invitae), Labcorp); PubMed 22154821 (cited by Labcorp Genetics (formerly Invitae), Labcorp); PubMed 26556829 (cited by Labcorp Genetics (formerly Invitae), Labcorp).

NM_025137.4(SPG11):c.4075del (p.Ile1359fs)

Gene: SPG11 (SPG11 vesicle trafficking associated, spatacsin; minus strand). Cytogenetic location: 15q21.1.
Variant type: Deletion.
Coding change: c.4075del on transcript NM_025137.4 (MANE Select); coding-DNA position 4075, one base deleted (A; older notation c.4075delA).
Protein change: p.Ile1359fs; shifts the reading frame from isoleucine 1359.
Molecular consequence: frameshift variant.
Genome position (GRCh38, 1-based): chr15:44,596,870, T deleted on the plus strand (A on the coding strand, the reverse complement: SPG11 is on the minus strand). VCF-style (leftmost placement, unchanged base first): chr15-44596869-AT-A. GRCh37 (hg19) VCF-style: chr15-44889067-AT-A.
Other names: c.4075del, p.Ile1359fs (NM_001160227.2); c.4075del (NM_025137.3); short protein forms I1359fs.
Identifiers: ClinVar variation 653485 (VCV000653485.10), dbSNP rs1405032433, ClinGen allele CA618006126.